The following is an entry in ClinVar:

ClinVar aggregate classification (germline): Pathogenic. Review status: reviewed by expert panel (3 of 4 stars). 2 submissions from 2 submitters: Pathogenic (1). 1 of the submissions does not count toward it. Last evaluated 2016-10-18.

Conditions:
Breast-ovarian cancer, familial, susceptibility to, 2 (BROVCA2). Also called: BRCA2 Hereditary Breast and Ovarian Cancer. Identifiers: Orphanet 145, MedGen C2675520, MONDO:0012933, OMIM 612555. Disease mechanism: loss of function.

Submissions (2):

Evidence-based Network for the Interpretation of Germline Mutant Alleles (ENIGMA)
Classification: Pathogenic for Breast-ovarian cancer, familial, susceptibility to, 2. Last evaluated: 2016-10-18. Review status: reviewed by expert panel. Criteria: ENIGMA BRCA1/2 Classification Criteria (2015). Collection method: curation. Allele origin: germline.
Comment: Variant allele predicted to encode a truncated non-functional protein.

Consortium of Investigators of Modifiers of BRCA1/2 (CIMBA), c/o University of Cambridge
Classification: Pathogenic for Breast-ovarian cancer, familial, susceptibility to, 2. Last evaluated: 2015-10-02. Review status: criteria provided, single submitter. Criteria: CIMBA Mutation Classification guidelines May 2016. Collection method: clinical testing. Allele origin: germline. Not counted in ClinVar's aggregate classification.

NM_000059.4(BRCA2):c.8887del (p.Ser2963fs)

Gene: BRCA2 (BRCA2 DNA repair associated; plus strand). Cytogenetic location: 13q13.1.
Variant type: Deletion.
Coding change: c.8887del on transcript NM_000059.4 (MANE Select); coding-DNA position 8887, one base deleted (T; older notation c.8887delT).
Protein change: p.Ser2963fs; shifts the reading frame from serine 2963.
Molecular consequence: frameshift variant.
Genome position (GRCh38, 1-based): chr13:32,379,449, T deleted. VCF-style (leftmost placement, unchanged base first): chr13-32379448-AT-A. GRCh37 (hg19) VCF-style: chr13-32953585-AT-A.
Other names: 9115delT; short protein forms S2963fs.
Identifiers: ClinVar variation 267112 (VCV000267112.7), dbSNP rs886040797, ClinGen allele CA10589521.